The following is an entry in ClinVar:

NM_021072.4(HCN1):c.58_283del (p.Val20fs)

Gene: HCN1 (hyperpolarization activated cyclic nucleotide gated potassium channel 1; minus strand). Cytogenetic location: 5p12.
Variant type: Deletion.
Coding change: c.58_283del on transcript NM_021072.4 (MANE Select); coding-DNA positions 58 to 283, 226 bases deleted.
Protein change: p.Val20fs; shifts the reading frame from valine 20.
Molecular consequence: frameshift variant.
Genome position (GRCh38, 1-based): chr5:45,695,811-45,696,036, 226 bases deleted. GRCh37 (hg19): chr5:45,695,915-45,696,140.
Other names: short protein forms V20fs.
Identifiers: ClinVar variation 2094407 (VCV002094407.4), dbSNP rs2478643924, ClinGen allele CA2580073310.

ClinVar aggregate classification (germline): Uncertain significance (1 of 4 stars; one submission).

Conditions:
Early-infantile DEE. Also called: Early infantile epileptic encephalopathy; Early infantile epileptic encephalopathy with suppression bursts; Ohtahara syndrome. Identifiers: Orphanet 1934, MedGen C0393706, MONDO:0800491.

Submission:

Labcorp Genetics (formerly Invitae), Labcorp
Classification: Uncertain significance for Early-infantile DEE. Last evaluated: 2024-02-05. Review status: criteria provided, single submitter. Criteria: Invitae Variant Classification Sherloc (09022015). Collection method: clinical testing. Allele origin: germline.
Comment: This sequence change creates a premature translational stop signal (p.Val20Argfs*53) in the HCN1 gene. It is expected to result in an absent or disrupted protein product. However, the current clinical and genetic evidence is not sufficient to establish whether loss-of-function variants in HCN1 cause disease. This variant is not present in population databases (gnomAD no frequency). This variant has not been reported in the literature in individuals affected with HCN1-related conditions. ClinVar contains an entry for this variant (Variation ID: 2094407). In summary, the available evidence is currently insufficient to determine the role of this variant in disease. Therefore, it has been classified as a Variant of Uncertain Significance.